The following is an entry in ClinVar:

ClinVar aggregate classification (germline): Uncertain significance. Review status: criteria provided, multiple submitters, no conflicts (2 of 4 stars). 3 submissions from 3 submitters: Uncertain significance (3). Last evaluated 2024-12-03.

Conditions:
COACH syndrome 2. Identifiers: MedGen C5436837, MONDO:0030859, OMIM 619111.
Meckel syndrome, type 6. Identifiers: Orphanet 564, MedGen C2676790, MONDO:0012848, OMIM 612284.
Joubert syndrome 9 (JBTS9). Identifiers: Orphanet 2318, MedGen C2676788, MONDO:0012849, OMIM 612285.
Retinitis pigmentosa 93. Identifiers: MedGen C5676970, MONDO:0030797, OMIM 619845.
Inborn genetic diseases. Identifiers: MedGen C0950123, MeSH D030342.
Joubert syndrome. Also called: JOUBERT-BOLTSHAUSER SYNDROME; Familial aplasia of the vermis. Identifiers: Orphanet 475, MedGen C5979921, MONDO:0018772.
Meckel-Gruber syndrome. Also called: Dysencephalia splachnocystica; DYSENCEPHALIA SPLANCHNOCYSTICA; GRUBER SYNDROME. Identifiers: Orphanet 564, MedGen C0265215, MONDO:0018921.

Allele frequency attached by ClinVar (database versions not stated): gnomAD exomes below 0.00001 and 0.00001; ExAC 0.00001; gnomAD 0.00002; TOPMed 0.00003.
gnomAD v4.1: 9 of 1,613,322 alleles (0.00056%); highest among the groups gnomAD compares: African/African-American, 0.011%; no homozygotes.

Submissions (3):

Ambry Genetics
Classification: Uncertain significance for Inborn genetic diseases. Last evaluated: 2024-12-03. Review status: criteria provided, single submitter. Criteria: Ambry Variant Classification Scheme 2023. Collection method: clinical testing. Allele origin: germline.

Fulgent Genetics
Classification: Uncertain significance for Meckel syndrome, type 6; Joubert syndrome 9; COACH syndrome 2; Retinitis pigmentosa 93. Last evaluated: 2024-05-16. Review status: criteria provided, single submitter. Criteria: ACMG Guidelines, 2015. Collection method: clinical testing. Allele origin: germline.

Labcorp Genetics (formerly Invitae), Labcorp
Classification: Uncertain significance for Joubert syndrome; Meckel-Gruber syndrome. Last evaluated: 2022-07-06. Review status: criteria provided, single submitter. Criteria: Invitae Variant Classification Sherloc (09022015). Collection method: clinical testing. Allele origin: germline.
Comment: This sequence change replaces proline, which is neutral and non-polar, with serine, which is neutral and polar, at codon 361 of the CC2D2A protein (p.Pro361Ser). This variant is present in population databases (rs748850069, gnomAD 0.007%). This variant has not been reported in the literature in individuals affected with CC2D2A-related conditions. ClinVar contains an entry for this variant (Variation ID: 1006271). Advanced modeling of protein sequence and biophysical properties (such as structural, functional, and spatial information, amino acid conservation, physicochemical variation, residue mobility, and thermodynamic stability) performed at Invitae indicates that this missense variant is not expected to disrupt CC2D2A protein function. In summary, the available evidence is currently insufficient to determine the role of this variant in disease. Therefore, it has been classified as a Variant of Uncertain Significance.

NM_001378615.1(CC2D2A):c.1081C>T (p.Pro361Ser)

Genes: CC2D2A (coiled-coil and C2 domain containing 2A; plus strand), FBXL5 (F-box and leucine rich repeat protein 5; minus strand). Cytogenetic location: 4p15.32.
Variant type: single nucleotide variant.
Coding change: c.1081C>T on transcript NM_001378615.1 (MANE Select); coding-DNA position 1081, C replaced by T.
Protein change: p.Pro361Ser; replaces proline 361 with serine.
Molecular consequence: missense variant.
Genome position (GRCh38, 1-based): chr4:15,516,688, C>T. VCF-style: chr4-15516688-C-T. GRCh37 (hg19) VCF-style: chr4-15518311-C-T.
Other names: c.1081C>T, p.Pro361Ser (NM_001080522.2); c.934C>T, p.Pro312Ser (NM_001378617.1); short protein forms P312S, P361S.
Identifiers: ClinVar variation 1006271 (VCV001006271.6), dbSNP rs748850069, ClinGen allele CA2863560.
Genomic context (GRCh38, chr4:15,516,688, plus strand): 5'-AGAAGATGGTTTGGAGATGACGGCAGGATCCTAGCTCTGCCAAACCCCATCAAGCCATTT[C>T]CTTCAAGGCCGCCAGTACTAACACAGGAGCAGAGCATTAAGGCAGAGCTTGAAACACTGT-3'
Protein context (NP_001365544.1, residues 351-371): LALPNPIKPF[Pro361Ser]SRPPVLTQEQ